The following is an entry in ClinVar:

ClinVar aggregate classification (germline): Uncertain significance. Review status: criteria provided, multiple submitters, no conflicts (2 of 4 stars). 6 submissions from 6 submitters: Uncertain significance (5). 1 of the submissions does not count toward it. Last evaluated 2023-09-19.

Conditions:
Neuronal ceroid lipofuscinosis 5 (CLN5). Also called: CEROID LIPOFUSCINOSIS, NEURONAL, 5, VARIABLE AGE AT ONSET; CLN5-Related Neuronal Ceroid-Lipofuscinosis; Neuronal ceroid lipofuscinosis Finnish variant; NEURONAL CEROID LIPOFUSCINOSIS, LATE INFANTILE, FINNISH VARIANT. Identifiers: Orphanet 168491, Orphanet 228360, MedGen C1850442, MONDO:0009745, OMIM 256731.
Inborn genetic diseases. Identifiers: MedGen C0950123, MeSH D030342.
Neuronal ceroid lipofuscinosis. Also called: Neuronal Ceroid Lipofuscinoses. Identifiers: Orphanet 216, Orphanet 79263, MedGen C0027877, MONDO:0016295. Disease mechanism: loss of function.

Allele frequency attached by ClinVar (database versions not stated): ExAC 0.00012; 1000 Genomes Project 30x 0.00031; 1000 Genomes Project 0.00040; gnomAD 0.00001 and 0.00003; gnomAD exomes 0.00004 and 0.00008; TOPMed 0.00006.

Submissions (6):

Blueprint Genetics
Classification: Uncertain significance. Last evaluated: 2023-09-19. Review status: criteria provided, single submitter. Criteria: ACMG Guidelines, 2015. Collection method: clinical testing. Allele origin: germline.

Labcorp Genetics (formerly Invitae), Labcorp
Classification: Uncertain significance for Neuronal ceroid lipofuscinosis. Last evaluated: 2022-10-25. Review status: criteria provided, single submitter. Criteria: Invitae Variant Classification Sherloc (09022015). Collection method: clinical testing. Allele origin: germline.
Comment: This sequence change replaces phenylalanine, which is neutral and non-polar, with serine, which is neutral and polar, at codon 361 of the CLN5 protein (p.Phe361Ser). The frequency data for this variant in the population databases is considered unreliable, as metrics indicate poor data quality at this position in the gnomAD database. This missense change has been observed in individual(s) with clinical features of neuronal ceroid lipofuscinosis (PMID: 30264640). ClinVar contains an entry for this variant (Variation ID: 580580). Advanced modeling of protein sequence and biophysical properties (such as structural, functional, and spatial information, amino acid conservation, physicochemical variation, residue mobility, and thermodynamic stability) performed at Invitae indicates that this missense variant is not expected to disrupt CLN5 protein function. In summary, the available evidence is currently insufficient to determine the role of this variant in disease. Therefore, it has been classified as a Variant of Uncertain Significance.

Ambry Genetics
Classification: Uncertain significance for Inborn genetic diseases. Last evaluated: 2022-06-01. Review status: criteria provided, single submitter. Criteria: Ambry Variant Classification Scheme 2023. Collection method: clinical testing. Allele origin: germline.

Genome-Nilou Lab
Classification: Uncertain significance for Neuronal ceroid lipofuscinosis 5. Last evaluated: 2021-09-05. Review status: criteria provided, single submitter. Criteria: ACMG Guidelines, 2015. Collection method: clinical testing. Allele origin: germline. Affected: no.

GeneDx
Classification: Uncertain significance. Last evaluated: 2021-02-09. Review status: criteria provided, single submitter. Criteria: GeneDx Variant Classification Process June 2021. Collection method: clinical testing. Allele origin: germline. Affected: yes.
Comment: In silico analysis supports that this missense variant has a deleterious effect on protein structure/function; This variant is associated with the following publications: (PMID: 30264640)

Natera, Inc.
Classification: Benign for Neuronal ceroid lipofuscinosis 5. Last evaluated: 2020-04-16. Review status: no assertion criteria provided. Collection method: clinical testing. Allele origin: germline. Not counted in ClinVar's aggregate classification.

Literature cited by the submitters: PubMed 30264640 (cited by Labcorp Genetics (formerly Invitae), Labcorp).

NM_006493.4(CLN5):c.935T>C (p.Phe312Ser)

Gene: CLN5 (CLN5 lysosomal BMP synthase; plus strand). Cytogenetic location: 13q22.3.
Variant type: single nucleotide variant.
Coding change: c.935T>C on transcript NM_006493.4 (MANE Select); coding-DNA position 935, T replaced by C.
Protein change: p.Phe312Ser; replaces phenylalanine 312 with serine.
Molecular consequence: missense variant. On other transcripts: 3 prime UTR variant (1).
Genome position (GRCh38, 1-based): chr13:77,000,827, T>C. VCF-style: chr13-77000827-T-C. GRCh37 (hg19) VCF-style: chr13-77574962-T-C.
Other names: c.1082T>C (LRG_692t1); c.*384T>C (NM_001366624.2); short protein forms F312S.
Identifiers: ClinVar variation 580580 (VCV000580580.14), dbSNP rs201767993, ClinGen allele CA7007274.
Genomic context (GRCh38, chr13:77,000,827, plus strand): 5'-ATTACCCCTTCAAACCACATTTGCCAACTAAAGAATTTCTGTTGAGTCTCTTGCAAATTT[T>C]TGATGCAGTGATTGTGCACAAACAGTTCTATTTGTTTTATAATTTTGAATATTGGTTTTT-3'
Protein context (NP_006484.2, residues 302-322): KEFLLSLLQI[Phe312Ser]DAVIVHKQFY